The following is an entry in ClinVar:

NM_021930.6(RINT1):c.1536A>C (p.Leu512Phe)

Gene: RINT1 (RAD50 interactor 1; plus strand). Cytogenetic location: 7q22.3.
Variant type: single nucleotide variant.
Coding change: c.1536A>C on transcript NM_021930.6 (MANE Select); coding-DNA position 1536, A replaced by C.
Protein change: p.Leu512Phe; replaces leucine 512 with phenylalanine.
Molecular consequence: missense variant.
Genome position (GRCh38, 1-based): chr7:105,555,092, A>C. VCF-style: chr7-105555092-A-C. GRCh37 (hg19) VCF-style: chr7-105195539-A-C.
Other names: c.1536A>C (NM_021930.4); c.1302A>C, p.Leu434Phe (NM_001346599.2); c.513A>C, p.Leu171Phe (NM_001346600.2, NM_001346603.2); c.612A>C, p.Leu204Phe (NM_001346601.2); short protein forms L512F, L171F, L204F, L434F.
Identifiers: ClinVar variation 3594197 (VCV003594197.2).

ClinVar aggregate classification (germline): Uncertain significance. Review status: criteria provided, multiple submitters, no conflicts (2 of 4 stars). 2 submissions from 2 submitters: Uncertain significance (2). Last evaluated 2025-10-01.

Conditions:
Infantile liver failure syndrome 3. Identifiers: MedGen C5231437, MONDO:0032844, OMIM 618641.

Submissions (2):

Ambry Genetics
Classification: Uncertain significance. Last evaluated: 2025-10-01. Review status: criteria provided, single submitter. Criteria: Ambry Variant Classification Scheme 2023. Collection method: clinical testing. Allele origin: germline.
Comment: The p.L512F variant (also known as c.1536A>C), located in coding exon 11 of the RINT1 gene, results from an A to C substitution at nucleotide position 1536. The leucine at codon 512 is replaced by phenylalanine, an amino acid with highly similar properties. This amino acid position is conserved. In addition, the in silico prediction for this alteration is inconclusive. Based on the available evidence, the clinical significance of this variant remains unclear.

Fulgent Genetics
Classification: Uncertain significance for Infantile liver failure syndrome 3. Last evaluated: 2024-01-02. Review status: criteria provided, single submitter. Criteria: ACMG Guidelines, 2015. Collection method: clinical testing. Allele origin: germline.